The following is an entry in ClinVar:

ClinVar aggregate classification (germline): Benign/Likely benign. Review status: criteria provided, multiple submitters, no conflicts (2 of 4 stars). 14 submissions from 14 submitters: Benign (8); Likely benign (6). Last evaluated 2026-09-01.

Conditions:
Cardiovascular phenotype. Identifiers: MedGen CN230736.
Familial hypercholesterolemia. Also called: Familial hypercholesterolaemia; Familial hypercholesterolemias. Identifiers: MedGen C0020445, MONDO:0005439.
Hypercholesterolemia, autosomal dominant, 3 (FHCL3). Also called: Familial Hypercholesterolemia, Autosomal Dominant, 3; PCSK9-Related Familial Hypercholesterolemia, Autosomal Dominant; Familial hypercholesterolemia 3. Identifiers: MedGen C1863551, MONDO:0011369, OMIM 603776.

Allele frequency attached by ClinVar (database versions not stated): gnomAD exomes 0.00072; ExAC 0.00097; gnomAD 0.00269 and 0.00289; 1000 Genomes Project 0.00280; 1000 Genomes Project 30x 0.00281; TOPMed 0.00300; ESP Exome Variant Server 0.00315.
gnomAD v4.1: 820 of 1,611,966 alleles (0.051%); highest among the groups gnomAD compares: African/African-American, 0.98%; 3 homozygotes.

Submissions (14):

CeGaT Center for Human Genetics Tuebingen
Classification: Likely benign. Last evaluated: 2026-09-01. Review status: criteria provided, single submitter. Criteria: CeGaT Center For Human Genetics Tuebingen Variant Classification Criteria Version 2. Collection method: clinical testing. Allele origin: germline. Affected: yes. Observed: 1 variant allele.
Comment: PCSK9: BP4, BP7

Labcorp Genetics (formerly Invitae), Labcorp
Classification: Benign for Hypercholesterolemia, autosomal dominant, 3. Last evaluated: 2026-01-25. Review status: criteria provided, single submitter. Criteria: Invitae Variant Classification Sherloc (09022015). Collection method: clinical testing. Allele origin: germline.

Molecular Diagnostic Laboratory for Inherited Cardiovascular Disease, Montreal Heart Institute
Classification: Benign. Last evaluated: 2025-04-09. Review status: criteria provided, single submitter. Criteria: ACMG Guidelines, 2015. Collection method: clinical testing. Allele origin: germline. Affected: no.

Mayo Clinic Laboratories, Mayo Clinic
Classification: Likely benign. Last evaluated: 2024-10-18. Review status: criteria provided, single submitter. Criteria: ACMG Guidelines, 2015. Collection method: clinical testing. Allele origin: germline. Observed: 3 variant alleles.
Comment: BS1, BP4, BP7

Blueprint Genetics
Classification: Likely benign. Last evaluated: 2024-09-09. Review status: criteria provided, single submitter. Criteria: ACMG Guidelines, 2015. Collection method: clinical testing. Allele origin: germline.

All of Us Research Program, National Institutes of Health
Classification: Benign for Hypercholesterolemia, autosomal dominant, 3. Last evaluated: 2024-02-05. Review status: criteria provided, single submitter. Criteria: ACMG Guidelines, 2015. Collection method: clinical testing. Allele origin: germline. Inheritance: Autosomal dominant inheritance. Observed: 153 variant alleles, 153 heterozygotes.
Comment: This study involves interpretation of variants in research participants for the purpose of population health screening. Participant phenotype was not available at the time of variant classification. Additional details can be found in publication PMID: 35346344, PMCID: PMC8962531

Quest Diagnostics Nichols Institute San Juan Capistrano
Classification: Benign. Last evaluated: 2023-04-17. Review status: criteria provided, single submitter. Criteria: Quest Diagnostics criteria. Collection method: clinical testing. Allele origin: unknown.

GENinCode PLC
Classification: Benign for Familial hypercholesterolemia. Last evaluated: 2022-07-07. Review status: criteria provided, single submitter. Criteria: ACMG Guidelines, 2015. Collection method: clinical testing. Allele origin: germline.

GeneDx
Classification: Likely benign. Last evaluated: 2021-11-19. Review status: criteria provided, single submitter. Criteria: GeneDx Variant Classification Process June 2021. Collection method: clinical testing. Allele origin: germline. Affected: yes.

Genetic Services Laboratory, University of Chicago
Classification: Likely benign. Last evaluated: 2018-10-18. Review status: criteria provided, single submitter. Criteria: ACMG Guidelines, 2015. Collection method: clinical testing. Allele origin: germline. Affected: no.

Ambry Genetics
Classification: Benign for Cardiovascular phenotype. Last evaluated: 2018-09-28. Review status: criteria provided, single submitter. Criteria: Ambry Variant Classification Scheme 2023. Collection method: clinical testing. Allele origin: germline.

Color Diagnostics, LLC DBA Color Health
Classification: Benign for Familial hypercholesterolemias. Last evaluated: 2017-11-23. Review status: criteria provided, single submitter. Criteria: ACMG Guidelines, 2015. Collection method: clinical testing. Allele origin: germline.

Women's Health and Genetics/Laboratory Corporation of America, LabCorp
Classification: Benign. Last evaluated: 2016-05-05. Review status: criteria provided, single submitter. Criteria: LabCorp Variant Classification Summary - May 2015. Collection method: clinical testing. Allele origin: germline.
Comment: Variant summary: The PCSK9 variant, c.1395G>A (p.Ser465Ser) causes a synonymous change involving a non-conserved nucleotide with 5/5 in silico programs via Alamut predicting no significant effect on splicing, although these predictions have yet to be functionally assessed. The variant of interest has been observed in the large, broad control population, ExAC, with an allele frequency of 118/121334 (1/1028), predominantly in the African cohort, 112/10394 (1/92), which significantly exceeds the estimated maximum expected allele frequency for a pathogenic PCSK9 variant of 1/53191. Therefore, suggesting that the variant is a common polymorphism found in population(s) of African origin. The variant of interest, to our knowledge, has not been reported in affected individuals via publications and/or reputable clinical laboratories/databases. Therefore, taking all available lines of evidence into consideration, the variant of interest is classified as Benign.

Breakthrough Genomics
Classification: Likely benign. Review status: criteria provided, single submitter. Criteria: ACMG Guidelines, 2015. Collection method: not provided. Allele origin: germline. Inheritance: Autosomal dominant inheritance. Affected: yes.

NM_174936.4(PCSK9):c.1395G>A (p.Ser465=)

Gene: PCSK9 (proprotein convertase subtilisin/kexin type 9; plus strand). Cytogenetic location: 1p32.3.
Variant type: single nucleotide variant.
Coding change: c.1395G>A on transcript NM_174936.4 (MANE Select); coding-DNA position 1395, G replaced by A.
Protein change: p.Ser465=; no amino-acid change (serine 465 retained).
Molecular consequence: synonymous variant. On other transcripts: non-coding transcript variant (8), intron variant (1).
Genome position (GRCh38, 1-based): chr1:55,058,539, G>A. VCF-style: chr1-55058539-G-A. GRCh37 (hg19) VCF-style: chr1-55524212-G-A.
Other names: p.Ser465=; c.1518G>A, p.Ser506= (NM_001407240.1); c.1395G>A, p.Ser465= (NM_001407241.1); c.1398G>A, p.Ser466= (NM_001407242.1); c.1338G>A, p.Ser446= (NM_001407243.1); c.1221G>A, p.Ser407= (NM_001407244.1); c.1203G>A, p.Ser401= (NM_001407245.1); c.1020G>A, p.Ser340= (NM_001407246.1); and 1 more.
Identifiers: ClinVar variation 496558 (VCV000496558.31), dbSNP rs146960060, ClinGen allele CA036779.